The following is an entry in ClinVar:

ClinVar aggregate classification (germline): Uncertain significance (1 of 4 stars; one submission).

Allele frequency attached by ClinVar (database versions not stated): gnomAD exomes 0.00001; ExAC 0.00002; gnomAD 0.00003; 1000 Genomes Project 0.00020; 1000 Genomes Project 30x 0.00031.
gnomAD v4.1: 7 of 1,613,668 alleles (0.00043%); highest among the groups gnomAD compares: African/African-American, 0.0053%; no homozygotes.

Submission:

GeneDx
Classification: Uncertain significance. Last evaluated: 2017-03-23. Review status: criteria provided, single submitter. Criteria: GeneDx Variant Classification (06012015). Collection method: clinical testing. Allele origin: germline. Affected: yes.
Comment: The S648X variant in the COG6 gene has not been reported previously as a pathogenic variant nor as a benign variant, to our knowledge. This variant is predicted to cause loss of normal protein function through protein truncation, as the last ten amino acids of the protein are lost. The S648X variant is not observed at a significant frequency in large population cohorts (Lek et al., 2016; 1000 Genomes Consortium et al., 2015; Exome Variant Server). We interpret S648X as a variant of uncertain significance.

NM_020751.3(COG6):c.1943C>A (p.Ser648Ter)

Gene: COG6 (component of oligomeric golgi complex 6; plus strand). Cytogenetic location: 13q14.11.
Variant type: single nucleotide variant.
Coding change: c.1943C>A on transcript NM_020751.3 (MANE Select); coding-DNA position 1943, C replaced by A.
Protein change: p.Ser648Ter; replaces serine 648 with a stop codon.
Molecular consequence: nonsense. On other transcripts: non-coding transcript variant (1), intron variant (1).
Genome position (GRCh38, 1-based): chr13:39,751,062, C>A. VCF-style: chr13-39751062-C-A. GRCh37 (hg19) VCF-style: chr13-40325199-C-A.
Other names: c.1826+23514C>A (NM_001145079.2); short protein forms S648*.
Identifiers: ClinVar variation 424543 (VCV000424543.2), dbSNP rs527748425, ClinGen allele CA6958848.
Genomic context (GRCh38, chr13:39,751,062, plus strand): 5'-ATGCAGCCGTGATGAATCCAATCAATGAATACAAAGATCCAGAGAACATTCTTCACCGAT[C>A]GCCGCAGCAAGTGCAGACGCTTCTTTCCTGATTATCTTATTTCATTGTGTTAGCAAAATA-3'